The following is an entry in ClinVar:

ClinVar aggregate classification (germline): Uncertain significance (1 of 4 stars; one submission).

Conditions:
PTK7-related disorder. Also called: PTK7-related condition.

Submission:

PreventionGenetics, part of Exact Sciences
Classification: Uncertain significance for PTK7-related condition. Last evaluated: 2025-09-30. Review status: criteria provided, single submitter. Criteria: ACMG Guidelines, 2015. Collection method: clinical testing. Allele origin: germline.
Comment: The PTK7 c.224_227delinsG variant is predicted to result in an in-frame deletion and insertion. To our knowledge, this variant has not been reported in the literature or in a large population database (gnomAD), indicating this variant is rare. At this time, the clinical significance of this variant is uncertain due to the absence of conclusive functional and genetic evidence.

NM_002821.5(PTK7):c.224_227delinsG (p.Thr75_Glu76delinsArg)

Gene: PTK7 (protein tyrosine kinase 7 (inactive); plus strand). Cytogenetic location: 6p21.1.
Variant type: Indel.
Coding change: c.224_227delinsG on transcript NM_002821.5 (MANE Select); coding-DNA positions 224 to 227, CGGA replaced by G.
Protein change: p.Thr75_Glu76delinsArg.
Molecular consequence: inframe indel. On other transcripts: non-coding transcript variant (2).
Genome position (GRCh38, 1-based): chr6:43,129,121-43,129,124, CGGA replaced by G. VCF-style: chr6-43129121-CGGA-G. GRCh37 (hg19) VCF-style: chr6-43096859-CGGA-G.
Other names: c.248_251delinsG, p.Thr83_Glu84delinsArg (NM_001270398.2); c.224_227delinsG, p.Thr75_Glu76delinsArg (NM_152880.4, NM_152881.4, NM_152882.4).
Identifiers: ClinVar variation 4993030 (VCV004993030.1).